The following is an entry in ClinVar:

NM_000138.5(FBN1):c.2644G>A (p.Ala882Thr)

Gene: FBN1 (fibrillin 1; minus strand). Cytogenetic location: 15q21.1.
Variant type: single nucleotide variant.
Coding change: c.2644G>A on transcript NM_000138.5 (MANE Select); coding-DNA position 2644, G replaced by A.
Protein change: p.Ala882Thr; replaces alanine 882 with threonine.
Molecular consequence: missense variant.
Genome position (GRCh38, 1-based): chr15:48,495,156, C>T on the plus strand (G>A on the coding strand, the complement: FBN1 is on the minus strand). VCF-style: chr15-48495156-C-T. GRCh37 (hg19) VCF-style: chr15-48787353-C-T.
Other names: short protein forms A882T.
Identifiers: ClinVar variation 853703 (VCV000853703.17), dbSNP rs2043594915, ClinGen allele CA392332173.
Genomic context (GRCh38, chr15:48,495,156, plus strand): 5'-AGGAACCACAGCATGGGTTTCTCTTACCAACTTGGCATAGGGTGCACGGGCTTCCCCACG[C>T]AGCACCGAGGGAGGAGCAGCACTGGGACTTTAAGGTGGCTCCATTGATGTTGATCTCACA-3'
Protein context (NP_000129.3, residues 872-892): KSQCCSSLGA[Ala882Thr]WGSPCTLCQV

ClinVar aggregate classification (germline): Pathogenic/Likely pathogenic. Review status: criteria provided, multiple submitters, no conflicts (2 of 4 stars). 4 submissions from 4 submitters: Pathogenic (1); Likely pathogenic (3). Last evaluated 2026-05-04.

Conditions:
Marfan Syndrome/Loeys-Dietz Syndrome/Familial Thoracic Aortic Aneurysms and Dissections. Identifiers: MedGen CN229799.
Familial thoracic aortic aneurysm and aortic dissection (TAAD). Also called: Thoracic aortic aneurysms and dissections. Identifiers: Orphanet 91387, MedGen C4707243, MONDO:0019625.
Marfan syndrome (MFS). Also called: MARFAN SYNDROME, TYPE I; Marfan syndrome, classic; FBN1-Related Marfan Syndrome; Marfan syndrome type 1; Marfan's syndrome. Identifiers: Orphanet 284963, Orphanet 558, MedGen C0024796, MONDO:0007947, OMIM 154700.

Submissions (4):

GeneDx
Classification: Likely pathogenic. Last evaluated: 2026-05-04. Review status: criteria provided, single submitter. Criteria: GeneDx Variant Classification Process June 2021. Collection method: clinical testing. Allele origin: germline.
Comment: Does not affect a cysteine or calcium-binding residue within an EGF-like domain or a TGF-binding protein domain of the FBN1 gene; cysteine substitutions in the EGF-like domains represent the majority of pathogenic missense changes associated with FBN1-related disorders (PMID: 12938084); Not observed at significant frequency in large population cohorts (gnomAD); In silico analysis supports that this missense variant has a deleterious effect on protein structure/function; This variant is associated with the following publications: (PMID: 39790164, 12938084)

Women's Health and Genetics/Laboratory Corporation of America, LabCorp
Classification: Likely pathogenic for Marfan Syndrome/Loeys-Dietz Syndrome/Familial Thoracic Aortic Aneurysms and Dissections. Last evaluated: 2026-02-24. Review status: criteria provided, single submitter. Criteria: LabCorp Variant Classification Summary - May 2015. Collection method: clinical testing. Allele origin: germline.
Comment: Variant summary: FBN1 c.2644G>A (p.Ala882Thr) results in a non-conservative amino acid change in the encoded protein sequence. Algorithms developed to predict the effect of missense changes on protein structure and function all suggest that this variant is likely to be disruptive. The variant was absent in 251320 control chromosomes. The available data on variant occurrences in the general population are insufficient to allow any conclusion about variant significance. c.2644G>A has been observed in individual(s) affected with Marfan Syndrome (internal data). These data indicate that the variant may be associated with disease. A different variant affecting the same codon has been classified as likely pathogenic/pathogenic by our lab (c.2645C>T, p.Ala882Val), supporting the critical relevance of codon 882 to FBN1 protein function. To our knowledge, no experimental evidence demonstrating an impact on protein function has been reported. ClinVar contains an entry for this variant (Variation ID: 853703). Based on the evidence outlined above, the variant was classified as likely pathogenic.

Labcorp Genetics (formerly Invitae), Labcorp
Classification: Pathogenic for Marfan syndrome; Familial thoracic aortic aneurysm and aortic dissection. Last evaluated: 2026-01-14. Review status: criteria provided, single submitter. Criteria: Invitae Variant Classification Sherloc (09022015). Collection method: clinical testing. Allele origin: germline.
Comment: This sequence change replaces alanine, which is neutral and non-polar, with threonine, which is neutral and polar, at codon 882 of the FBN1 protein (p.Ala882Thr). This variant is not present in population databases (gnomAD no frequency). This missense change has been observed in individuals with clinical features of Marfan syndrome (internal data). ClinVar contains an entry for this variant (Variation ID: 853703). Invitae Evidence Modeling of protein sequence and biophysical properties (such as structural, functional, and spatial information, amino acid conservation, physicochemical variation, residue mobility, and thermodynamic stability) indicates that this missense variant is expected to disrupt FBN1 protein function with a positive predictive value of 95%. This variant disrupts the p.Ala882 amino acid residue in FBN1. Other variant(s) that disrupt this residue have been determined to be pathogenic (PMID: 15241795, 16756980, 19161152, 19839986, 20564469, 28973303). This suggests that this residue is clinically significant, and that variants that disrupt this residue are likely to be disease-causing. For these reasons, this variant has been classified as Pathogenic.

Ambry Genetics
Classification: Likely pathogenic for Familial thoracic aortic aneurysm and aortic dissection. Last evaluated: 2024-10-23. Review status: criteria provided, single submitter. Criteria: Ambry Variant Classification Scheme 2023. Collection method: clinical testing. Allele origin: germline.
Comment: The p.A882T variant (also known as c.2644G>A), located in coding exon 21 of the FBN1 gene, results from a G to A substitution at nucleotide position 2644. The alanine at codon 882 is replaced by threonine, an amino acid with similar properties. This variant was identified in one or more individuals with features consistent with Marfan syndrome (MFS) and segregated with disease in at least one family (Ambry internal data). Another variant at the same codon, p.A882V (c.2645C>T), has been reported in association with MFS (Loeys B et al. Hum Mutat. 2004 Aug;24(2):140-6; Comeglio P et al. Hum Mutat. 2007 Sep;28:928). Based on internal structural assessment, p.A882T is expected to be more structurally disruptive than the previously reported p.A882V alteration (Jensen SA et al. Structure. 2009 May;17(5):759-68). This variant is considered to be rare based on population cohorts in the Genome Aggregation Database (gnomAD). This amino acid position is highly conserved in available vertebrate species. In addition, this alteration is predicted to be deleterious by in silico analysis. Based on the majority of available evidence to date, this variant is likely to be pathogenic.

Literature cited by the submitters: PubMed 15241795 (cited by Labcorp Genetics (formerly Invitae), Labcorp and Ambry Genetics); PubMed 16756980 (cited by Labcorp Genetics (formerly Invitae), Labcorp); PubMed 19161152 (cited by Labcorp Genetics (formerly Invitae), Labcorp); PubMed 19839986 (cited by Labcorp Genetics (formerly Invitae), Labcorp); PubMed 20564469 (cited by Labcorp Genetics (formerly Invitae), Labcorp); PubMed 28973303 (cited by Labcorp Genetics (formerly Invitae), Labcorp); PubMed 17657824 (cited by Ambry Genetics); PubMed 19446531 (cited by Ambry Genetics).